The following is an entry in ClinVar:

NM_000059.4(BRCA2):c.2743_2747del (p.Thr915fs)

Gene: BRCA2 (BRCA2 DNA repair associated; plus strand). Cytogenetic location: 13q13.1.
Variant type: Microsatellite.
Coding change: c.2743_2747del on transcript NM_000059.4 (MANE Select); coding-DNA positions 2743 to 2747, 5 bases deleted (ACTTG; older notation c.2743_2747delACTTG).
Protein change: p.Thr915fs; shifts the reading frame from threonine 915.
Molecular consequence: frameshift variant.
Genome position (GRCh38, 1-based): chr13:32,337,098-32,337,102, ACTTG deleted; deleting any 5 consecutive bases within chr13:32,337,092-32,337,102 gives the same sequence; the c. name uses the placement nearest the transcript's 3' end. VCF-style (leftmost placement, unchanged base first): chr13-32337091-AGACTT-A. GRCh37 (hg19) VCF-style: chr13-32911228-AGACTT-A.
Other names: c.2743_2747delACTTG (NM_000059.3); short protein forms T915fs.
Identifiers: ClinVar variation 189178 (VCV000189178.18), dbSNP rs786204752, ClinGen allele CA016222.

ClinVar aggregate classification (germline): Pathogenic. Review status: reviewed by expert panel (3 of 4 stars). 9 submissions from 9 submitters: Pathogenic (1). 8 of the submissions do not count toward it. Last evaluated 2016-09-08.

Conditions:
Hereditary breast ovarian cancer syndrome. Also called: Hereditary breast and ovarian cancer; Hereditary breast and ovarian cancer syndrome; Breast and ovarian cancer; Hereditary breast and ovarian cancer syndrome (HBOC); Hereditary breast and/or ovarian cancer syndrome; BRCA1- and BRCA2-Associated Hereditary Breast and Ovarian Cancer. Identifiers: Orphanet 145, MedGen C0677776, MeSH D061325, MONDO:0003582. Disease mechanism: loss of function.
Hereditary cancer-predisposing syndrome. Also called: Hereditary Cancer Syndrome; Neoplastic Syndromes, Hereditary; Tumor predisposition; Hereditary neoplastic syndrome. Identifiers: Orphanet 140162, MedGen C0027672, MeSH D009386, MONDO:0015356.
Breast-ovarian cancer, familial, susceptibility to, 2 (BROVCA2). Also called: BRCA2 Hereditary Breast and Ovarian Cancer. Identifiers: Orphanet 145, MedGen C2675520, MONDO:0012933, OMIM 612555. Disease mechanism: loss of function.
Familial cancer of breast. Also called: BREAST CANCER, FAMILIAL; Hereditary breast cancer; hereditary breast carcinoma. Identifiers: Orphanet 227535, MedGen C0346153, MONDO:0016419, OMIM 114480. Disease mechanism: loss of function.

Submissions (9):

Evidence-based Network for the Interpretation of Germline Mutant Alleles (ENIGMA)
Classification: Pathogenic for Breast-ovarian cancer, familial, susceptibility to, 2. Last evaluated: 2016-09-08. Review status: reviewed by expert panel. Criteria: ENIGMA BRCA1/2 Classification Criteria (2015). Collection method: curation. Allele origin: germline.
Comment: Variant allele predicted to encode a truncated non-functional protein.

Labcorp Genetics (formerly Invitae), Labcorp
Classification: Pathogenic for Hereditary breast ovarian cancer syndrome. Last evaluated: 2023-07-07. Review status: criteria provided, single submitter. Criteria: Invitae Variant Classification Sherloc (09022015). Collection method: clinical testing. Allele origin: germline. Not counted in ClinVar's aggregate classification.
Comment: For these reasons, this variant has been classified as Pathogenic. ClinVar contains an entry for this variant (Variation ID: 189178). This premature translational stop signal has been observed in individual(s) with personal or family history of breast and/or ovarian cancer (PMID: 24156927, 29446198). This variant is present in population databases (rs757377991, gnomAD 0.003%). This sequence change creates a premature translational stop signal (p.Thr915Cysfs*19) in the BRCA2 gene. It is expected to result in an absent or disrupted protein product. Loss-of-function variants in BRCA2 are known to be pathogenic (PMID: 20104584).

Ambry Genetics
Classification: Pathogenic for Hereditary cancer-predisposing syndrome. Last evaluated: 2022-07-15. Review status: criteria provided, single submitter. Criteria: Ambry Variant Classification Scheme 2023. Collection method: clinical testing. Allele origin: germline. Not counted in ClinVar's aggregate classification.
Comment: The c.2743_2747delACTTG pathogenic mutation, located in coding exon 10 of the BRCA2 gene, results from a deletion of 5 nucleotides at nucleotide positions 2743 to 2747, causing a translational frameshift with a predicted alternate stop codon (p.T915Cfs*19). This alteration has been identified amongst multiple patients with a personal history of pancreatic adenocarcinoma and/or breast cancer (Yin L et al. JAMA Netw Open, 2022 02;5:e2148721; Torres-Mej&iacute;a G et al. Cancer Epidemiol Biomarkers Prev, 2015 Mar;24:498-505; Muendlein A et al. J Cancer Res Clin Oncol, 2015 Nov;141:2005-12Bang YJ et al. Cancer Res Treat, 2021 Oct; Golan T et al. J Clin Oncol, 2020 05;38:1442-1454). This alteration has been referred to as BRCA2 2971del5 within the literature. In addition to the clinical data presented in the literature, this alteration is expected to result in loss of function by premature protein truncation or nonsense-mediated mRNA decay. As such, this alteration is interpreted as a disease-causing mutation.

GeneKor MSA
Classification: Pathogenic for Hereditary Breast Carcinoma. Last evaluated: 2020-01-01. Review status: criteria provided, single submitter. Criteria: ACMG Guidelines, 2015. Collection method: clinical testing. Allele origin: germline. Affected: yes. Not counted in ClinVar's aggregate classification.
Comment: This variant is a 5 bp deletion at amino acid residue 915 of the BRCA2 gene. It results in a frame-shift creating an unrecognizable protein after amino acid 915 and a new stop codon 19 amino acid residues later, thus resulting in a truncated protein product.

Quest Diagnostics Nichols Institute San Juan Capistrano
Classification: Pathogenic. Last evaluated: 2018-02-13. Review status: criteria provided, single submitter. Criteria: Quest Diagnostics criteria. Collection method: clinical testing. Allele origin: germline. Not counted in ClinVar's aggregate classification.

Baylor Genetics
Classification: Pathogenic for Familial cancer of breast. Last evaluated: 2017-02-23. Review status: criteria provided, single submitter. Criteria: ACMG Guidelines, 2015. Collection method: clinical testing. Allele origin: germline. Inheritance: Autosomal dominant inheritance. Affected: yes. Observed: 1 variant allele. Not counted in ClinVar's aggregate classification.

Consortium of Investigators of Modifiers of BRCA1/2 (CIMBA), c/o University of Cambridge
Classification: Pathogenic for Breast-ovarian cancer, familial, susceptibility to, 2. Last evaluated: 2015-10-02. Review status: criteria provided, single submitter. Criteria: CIMBA Mutation Classification guidelines May 2016. Collection method: clinical testing. Allele origin: germline. Not counted in ClinVar's aggregate classification.

Counsyl
Classification: Likely pathogenic for Breast-ovarian cancer, familial 2. Last evaluated: 2015-02-11. Review status: no assertion criteria provided. Collection method: literature only. Allele origin: unknown. Inheritance: Autosomal dominant inheritance. Not counted in ClinVar's aggregate classification.

Research Molecular Genetics Laboratory, Women's College Hospital, University of Toronto
Classification: Pathogenic for Hereditary breast ovarian cancer syndrome. Last evaluated: 2014-01-31. Review status: no assertion criteria provided. Collection method: research. Allele origin: germline. Affected: yes. Study: The Canadian Open Genetics Repository (COGR). Not counted in ClinVar's aggregate classification.

Literature cited by the submitters: PubMed 24156927 (cited by Labcorp Genetics (formerly Invitae), Labcorp and Counsyl); PubMed 29446198 (cited by Labcorp Genetics (formerly Invitae), Labcorp); PubMed 20104584 (cited by Labcorp Genetics (formerly Invitae), Labcorp); PubMed 25371446 (cited by Ambry Genetics); PubMed 25971625 (cited by Ambry Genetics); PubMed 32073954 (cited by Ambry Genetics); PubMed 34645131 (cited by Ambry Genetics); PubMed 35171259 (cited by Ambry Genetics).